The following is an entry in ClinVar:

ClinVar aggregate classification (germline): Likely benign (1 of 4 stars; one submission).

Conditions:
IFT74-related disorder. Also called: IFT74-related condition; IFT74-Related Disorders.

Submission:

PreventionGenetics, part of Exact Sciences
Classification: Likely benign for IFT74-related condition. Last evaluated: 2025-10-15. Review status: criteria provided, single submitter. Criteria: ACMG Guidelines, 2015. Collection method: clinical testing. Allele origin: germline.
Comment: This variant is classified as likely benign based on ACMG/AMP sequence variant interpretation guidelines (Richards et al. 2015 PMID: 25741868, with internal and published modifications).

NM_025103.4(IFT74):c.1134A>G (p.Thr378=)

Gene: IFT74 (intraflagellar transport 74; plus strand). Cytogenetic location: 9p21.2.
Variant type: single nucleotide variant.
Coding change: c.1134A>G on transcript NM_025103.4 (MANE Select); coding-DNA position 1134, A replaced by G.
Protein change: p.Thr378=; no amino-acid change (threonine 378 retained).
Molecular consequence: synonymous variant.
Genome position (GRCh38, 1-based): chr9:27,047,299, A>G. VCF-style: chr9-27047299-A-G. GRCh37 (hg19) VCF-style: chr9-27047297-A-G.
Other names: c.1134A>G, p.Thr378= (NM_001099222.3, NM_001099223.3, NM_001349928.2).
Identifiers: ClinVar variation 4988134 (VCV004988134.1).